The following is an entry in ClinVar:

ClinVar aggregate classification (germline): Uncertain significance (1 of 4 stars; one submission).

Conditions:
Orofacial-digital syndrome IV (OFD4). Also called: BARAITSER-BURN SYNDROME; OFD SYNDROME WITH TIBIAL DEFECTS; OFD SYNDROME, BARAITSER-BURN TYPE; OFDS IV; ORAL-FACIAL-DIGITAL SYNDROME, TYPE IV; MOHR-MAJEWSKI SYNDROME. Identifiers: Orphanet 2753, MedGen C0406727, MONDO:0009794, OMIM 258860.
Joubert syndrome 18 (JBTS18). Identifiers: Orphanet 2754, MedGen C3553758, MONDO:0013896, OMIM 614815.

Allele frequency attached by ClinVar (database versions not stated): TOPMed below 0.00001.
gnomAD v4.1: 3 of 1,614,072 alleles (0.00019%); highest among the groups gnomAD compares: Non-Finnish European, 0.00025%; no homozygotes.

Submission:

Labcorp Genetics (formerly Invitae), Labcorp
Classification: Uncertain significance for Joubert syndrome 18; Orofacial-digital syndrome IV. Last evaluated: 2020-02-10. Review status: criteria provided, single submitter. Criteria: Invitae Variant Classification Sherloc (09022015). Collection method: clinical testing. Allele origin: germline.
Comment: This variant is not present in population databases (ExAC no frequency). This variant has not been reported in the literature in individuals with TCTN3-related conditions. Algorithms developed to predict the effect of missense changes on protein structure and function output the following: SIFT: "Tolerated"; PolyPhen-2: "Benign"; Align-GVGD: "Class C0". The arginine amino acid residue is found in multiple mammalian species, suggesting that this missense change does not adversely affect protein function. These predictions have not been confirmed by published functional studies and their clinical significance is uncertain. In summary, the available evidence is currently insufficient to determine the role of this variant in disease. Therefore, it has been classified as a Variant of Uncertain Significance. This sequence change replaces lysine with arginine at codon 338 of the TCTN3 protein (p.Lys338Arg). The lysine residue is moderately conserved and there is a small physicochemical difference between lysine and arginine.

NM_015631.6(TCTN3):c.1013A>G (p.Lys338Arg)

Gene: TCTN3 (tectonic family member 3; minus strand). Cytogenetic location: 10q24.1.
Variant type: single nucleotide variant.
Coding change: c.1013A>G on transcript NM_015631.6 (MANE Select); coding-DNA position 1013, A replaced by G.
Protein change: p.Lys338Arg; replaces lysine 338 with arginine.
Molecular consequence: missense variant. On other transcripts: intron variant (1).
Genome position (GRCh38, 1-based): chr10:95,684,581, T>C on the plus strand (A>G on the coding strand, the complement: TCTN3 is on the minus strand). VCF-style: chr10-95684581-T-C. GRCh37 (hg19) VCF-style: chr10-97444338-T-C.
Other names: c.652-952A>G (NM_001143973.2); short protein forms K338R.
Identifiers: ClinVar variation 1051253 (VCV001051253.9), dbSNP rs1206102625, ClinGen allele CA377704816.